The following is an entry in ClinVar:

NM_001711.6(BGN):c.538A>G (p.Ser180Gly)

Gene: BGN (biglycan; plus strand). Cytogenetic location: Xq28.
Variant type: single nucleotide variant.
Coding change: c.538A>G on transcript NM_001711.6 (MANE Select); coding-DNA position 538, A replaced by G.
Protein change: p.Ser180Gly; replaces serine 180 with glycine.
Molecular consequence: missense variant.
Genome position (GRCh38, 1-based): chrX:153,506,049, A>G. VCF-style: chrX-153506049-A-G. GRCh37 (hg19) VCF-style: chrX-152771507-A-G.
Other names: short protein forms S180G.
Identifiers: ClinVar variation 3260843 (VCV003260843.3).
Genomic context (GRCh38, chrX:153,506,049, plus strand): 5'-TCCCTGGTGGAGCTCCGCATCCACGACAACCGCATCCGCAAGGTGCCCAAGGGAGTGTTC[A>G]GCGGGCTCCGGAACATGAACTGCATCGGTGAGCTGAGGGCCTCCCAGAACATTCCAGAGC-3'
Protein context (NP_001702.1, residues 170-190): RIRKVPKGVF[Ser180Gly]GLRNMNCIEM

ClinVar aggregate classification (germline): Uncertain significance. Review status: criteria provided, multiple submitters, no conflicts (2 of 4 stars). 2 submissions from 2 submitters: Uncertain significance (2). Last evaluated 2025-01-03.

Conditions:
Cardiovascular phenotype. Identifiers: MedGen CN230736.

Submissions (2):

Labcorp Genetics (formerly Invitae), Labcorp
Classification: Uncertain significance. Last evaluated: 2025-01-03. Review status: criteria provided, single submitter. Criteria: Invitae Variant Classification Sherloc (09022015). Collection method: clinical testing. Allele origin: germline.
Comment: This sequence change replaces serine, which is neutral and polar, with glycine, which is neutral and non-polar, at codon 180 of the BGN protein (p.Ser180Gly). This variant is not present in population databases (gnomAD no frequency). This variant has not been reported in the literature in individuals affected with BGN-related conditions. Invitae Evidence Modeling of protein sequence and biophysical properties (such as structural, functional, and spatial information, amino acid conservation, physicochemical variation, residue mobility, and thermodynamic stability) indicates that this missense variant is not expected to disrupt BGN protein function with a negative predictive value of 80%. In summary, the available evidence is currently insufficient to determine the role of this variant in disease. Therefore, it has been classified as a Variant of Uncertain Significance.

Ambry Genetics
Classification: Uncertain significance for Cardiovascular phenotype. Last evaluated: 2024-06-10. Review status: criteria provided, single submitter. Criteria: Ambry Variant Classification Scheme 2023. Collection method: clinical testing. Allele origin: germline.